The following is an entry in ClinVar:

NM_032634.4(PIGO):c.3138del (p.Lys1047fs)

Gene: PIGO (phosphatidylinositol glycan anchor biosynthesis class O; minus strand). Cytogenetic location: 9p13.3.
Variant type: Deletion.
Coding change: c.3138del on transcript NM_032634.4 (MANE Select); coding-DNA position 3138, one base deleted (T; older notation c.3138delT).
Protein change: p.Lys1047fs; shifts the reading frame from lysine 1047.
Molecular consequence: frameshift variant.
Genome position (GRCh38, 1-based): chr9:35,089,382, A deleted on the plus strand (T on the coding strand, the reverse complement: PIGO is on the minus strand). VCF-style (leftmost placement, unchanged base first): chr9-35089381-TA-T. GRCh37 (hg19) VCF-style: chr9-35089378-TA-T.
Other names: c.1887del, p.Lys630fs (NM_001201484.2, NM_152850.4); short protein forms K630fs, K1047fs.
Identifiers: ClinVar variation 2158867 (VCV002158867.4), dbSNP rs2490430766, ClinGen allele CA2580080391.

ClinVar aggregate classification (germline): Uncertain significance (1 of 4 stars; one submission).

Conditions:
Hyperphosphatasia with impaired intellectual development syndrome 2. Also called: Hyperphosphatasia with intellectual disability syndrome 2; GLYCOSYLPHOSPHATIDYLINOSITOL BIOSYNTHESIS DEFECT 6. Identifiers: Orphanet 247262, MedGen C3553637, MONDO:0013882, OMIM 614749.

Allele frequency attached by ClinVar (database versions not stated): gnomAD exomes below 0.00001.

Submission:

Labcorp Genetics (formerly Invitae), Labcorp
Classification: Uncertain significance for Hyperphosphatasia with impaired intellectual development syndrome 2. Last evaluated: 2022-11-22. Review status: criteria provided, single submitter. Criteria: Invitae Variant Classification Sherloc (09022015). Collection method: clinical testing. Allele origin: germline.
Comment: Experimental studies and prediction algorithms are not available or were not evaluated, and the functional significance of this variant is currently unknown. This sequence change creates a premature translational stop signal (p.Lys1047Serfs*11) in the PIGO gene. While this is not anticipated to result in nonsense mediated decay, it is expected to disrupt the last 43 amino acid(s) of the PIGO protein. This variant is not present in population databases (gnomAD no frequency). This variant has not been reported in the literature in individuals affected with PIGO-related conditions. In summary, the available evidence is currently insufficient to determine the role of this variant in disease. Therefore, it has been classified as a Variant of Uncertain Significance.